The following is an entry in ClinVar:

NM_000095.3(COMP):c.1755G>A (p.Thr585=)

Gene: COMP (cartilage oligomeric matrix protein; minus strand). Cytogenetic location: 19p13.11.
Variant type: single nucleotide variant.
Coding change: c.1755G>A on transcript NM_000095.3 (MANE Select); coding-DNA position 1755, G replaced by A.
Protein change: p.Thr585=; no amino-acid change (threonine 585 retained).
Molecular consequence: synonymous variant.
Genome position (GRCh38, 1-based): chr19:18,785,055, C>T on the plus strand (G>A on the coding strand, the complement: COMP is on the minus strand). VCF-style: chr19-18785055-C-T. GRCh37 (hg19) VCF-style: chr19-18895865-C-T.
Identifiers: ClinVar variation 255119 (VCV000255119.18), dbSNP rs34467947, ClinGen allele CA9316274.

ClinVar aggregate classification (germline): Benign. Review status: criteria provided, multiple submitters, no conflicts (2 of 4 stars). 8 submissions from 7 submitters: Benign (8). Last evaluated 2026-05-09.

Conditions:
Pseudoachondroplastic spondyloepiphyseal dysplasia syndrome (PSACH). Also called: Pseudoachondroplasia; PSEUDOACHONDROPLASTIC DYSPLASIA; COMP-Related Pseudoachondroplasia. Identifiers: Orphanet 750, MedGen C0410538, MONDO:0008322, OMIM 177170.
Multiple epiphyseal dysplasia type 1. Also called: COMP-Related Multiple Epiphyseal Dysplasia. Identifiers: Orphanet 93308, MedGen C1838280, MONDO:0007561, OMIM 132400.
Carpal tunnel syndrome 2. Identifiers: MedGen C5436916, MONDO:0030883, OMIM 619161.

Allele frequency attached by ClinVar (database versions not stated): gnomAD 0.04795 and 0.04927; gnomAD exomes 0.04931 and 0.06373; ExAC 0.04955; 1000 Genomes Project 30x 0.01921; 1000 Genomes Project 0.01957; TOPMed 0.03942; ESP Exome Variant Server 0.05313.
gnomAD v4.1: 99,523 of 1,613,994 alleles (6.2%); highest among the groups gnomAD compares: Non-Finnish European, 7.1%; 3,618 homozygotes.

Submissions (8):

Women's Health and Genetics/Laboratory Corporation of America, LabCorp
Classification: Benign. Last evaluated: 2026-05-09. Review status: criteria provided, single submitter. Criteria: LabCorp Variant Classification Summary - May 2015. Collection method: clinical testing. Allele origin: germline.

Labcorp Genetics (formerly Invitae), Labcorp
Classification: Benign. Last evaluated: 2026-02-01. Review status: criteria provided, single submitter. Criteria: Invitae Variant Classification Sherloc (09022015). Collection method: clinical testing. Allele origin: germline.

Fulgent Genetics
Classification: Benign for Multiple epiphyseal dysplasia type 1; Pseudoachondroplastic spondyloepiphyseal dysplasia syndrome; Carpal tunnel syndrome 2. Last evaluated: 2021-08-26. Review status: criteria provided, single submitter. Criteria: ACMG Guidelines, 2015. Collection method: clinical testing. Allele origin: unknown.

Illumina Laboratory Services, Illumina
Classification: Benign for Multiple epiphyseal dysplasia type 1. Last evaluated: 2018-01-12. Review status: criteria provided, single submitter. Criteria: ICSL Variant Classification Criteria 13 December 2019. Collection method: clinical testing. Allele origin: germline.
Comment: This variant was observed in the ICSL laboratory as part of a predisposition screen in an ostensibly healthy population. It had not been previously curated by ICSL or reported in the Human Gene Mutation Database (HGMD: prior to June 1st, 2018), and was therefore a candidate for classification through an automated scoring system. Utilizing variant allele frequency, disease prevalence and penetrance estimates, and inheritance mode, an automated score was calculated to assess if this variant is too frequent to cause the disease. Based on the score and internal cut-off values, a variant classified as benign is not then subjected to further curation. The score for this variant resulted in a classification of benign for this disease.

Illumina Laboratory Services, Illumina
Classification: Benign for Pseudoachondroplastic spondyloepiphyseal dysplasia syndrome. Last evaluated: 2018-01-12. Review status: criteria provided, single submitter. Criteria: ICSL Variant Classification Criteria 13 December 2019. Collection method: clinical testing. Allele origin: germline.
Comment: the same text as in the submission from Illumina Laboratory Services, Illumina above.

GeneDx
Classification: Benign. Last evaluated: 2015-03-03. Review status: criteria provided, single submitter. Criteria: GeneDx Variant Classification Process June 2021. Collection method: clinical testing. Allele origin: germline. Affected: yes.

Breakthrough Genomics
Classification: Benign. Review status: criteria provided, single submitter. Criteria: ACMG Guidelines, 2015. Collection method: not provided. Allele origin: germline. Inheritance: Autosomal dominant inheritance. Affected: yes.

PreventionGenetics, part of Exact Sciences
Classification: Benign. Review status: criteria provided, single submitter. Criteria: ACMG Guidelines, 2015. Collection method: clinical testing. Allele origin: germline.